The following is an entry in ClinVar:

NM_001201543.2(FAM161A):c.213G>A (p.Val71=)

Gene: FAM161A (FAM161 centrosomal protein A; minus strand). Cytogenetic location: 2p15.
Variant type: single nucleotide variant.
Coding change: c.213G>A on transcript NM_001201543.2 (MANE Select); coding-DNA position 213, G replaced by A.
Protein change: p.Val71=; no amino-acid change (valine 71 retained).
Molecular consequence: synonymous variant. On other transcripts: non-coding transcript variant (1).
Genome position (GRCh38, 1-based): chr2:61,842,331, C>T on the plus strand (G>A on the coding strand, the complement: FAM161A is on the minus strand). VCF-style: chr2-61842331-C-T. GRCh37 (hg19) VCF-style: chr2-62069466-C-T.
Other names: c.213G>A, p.Val71= (NM_032180.3); c.213G>A (NM_001201543.1).
Identifiers: ClinVar variation 2083571 (VCV002083571.6), dbSNP rs775901032, ClinGen allele CA1679402.

ClinVar aggregate classification (germline): Likely benign. Review status: criteria provided, multiple submitters, no conflicts (2 of 4 stars). 3 submissions from 3 submitters: Likely benign (3). Last evaluated 2025-12-30.

Conditions:
FAM161A-related disorder. Also called: FAM161A-related condition.

Allele frequency attached by ClinVar (database versions not stated): gnomAD exomes 0.00001; TOPMed 0.00001; gnomAD 0.00002; ExAC 0.00005.
gnomAD v4.1: 16 of 1,575,510 alleles (0.001%); highest among the groups gnomAD compares: African/African-American, 0.015%; 1 homozygote.

Submissions (3):

Labcorp Genetics (formerly Invitae), Labcorp
Classification: Likely benign. Last evaluated: 2025-12-30. Review status: criteria provided, single submitter. Criteria: Invitae Variant Classification Sherloc (09022015). Collection method: clinical testing. Allele origin: germline.

PreventionGenetics, part of Exact Sciences
Classification: Likely benign for FAM161A-related condition. Last evaluated: 2025-05-07. Review status: criteria provided, single submitter. Criteria: ACMG Guidelines, 2015. Collection method: clinical testing. Allele origin: germline.
Comment: This variant is classified as likely benign based on ACMG/AMP sequence variant interpretation guidelines (Richards et al. 2015 PMID: 25741868, with internal and published modifications).

Blueprint Genetics
Classification: Likely benign. Last evaluated: 2024-07-11. Review status: criteria provided, single submitter. Criteria: ACMG Guidelines, 2015. Collection method: clinical testing. Allele origin: germline.